The following is an entry in ClinVar:

NM_000038.6(APC):c.4184G>A (p.Ser1395Asn)

Gene: APC (APC regulator of Wnt signaling pathway; plus strand). Cytogenetic location: 5q22.2.
Variant type: single nucleotide variant.
Coding change: c.4184G>A on transcript NM_000038.6 (MANE Select); coding-DNA position 4184, G replaced by A.
Protein change: p.Ser1395Asn; replaces serine 1395 with asparagine.
Molecular consequence: missense variant.
Genome position (GRCh38, 1-based): chr5:112,839,778, G>A. VCF-style: chr5-112839778-G-A. GRCh37 (hg19) VCF-style: chr5-112175475-G-A.
Other names: c.4184G>A, p.Ser1395Asn (NM_001127510.3, NM_001354895.2, NM_001407450.1); c.4130G>A, p.Ser1377Asn (NM_001127511.3); c.4238G>A, p.Ser1413Asn (NM_001354896.2, NM_001407447.1, NM_001407448.1 and 1 more transcripts); c.4214G>A, p.Ser1405Asn (NM_001354897.2); c.4109G>A, p.Ser1370Asn (NM_001354898.2); c.4100G>A, p.Ser1367Asn (NM_001354899.2); c.4061G>A, p.Ser1354Asn (NM_001354900.2); c.4007G>A, p.Ser1336Asn (NM_001354901.2, NM_001407453.1); and 12 more; short protein forms S1011N, S1112N, S1235N, S1266N, S1269N, S1294N, S1304N, S1312N.
Identifiers: ClinVar variation 1802738 (VCV001802738.11), dbSNP rs2149908513, ClinGen allele CA16030497.

ClinVar aggregate classification (germline): Uncertain significance. Review status: criteria provided, multiple submitters, no conflicts (2 of 4 stars). 5 submissions from 5 submitters: Uncertain significance (5). Last evaluated 2025-09-25.

Conditions:
Classic or attenuated familial adenomatous polyposis. Identifiers: MedGen CN372698, MONDO:0021057.
Hereditary cancer-predisposing syndrome. Also called: Neoplastic Syndromes, Hereditary; Tumor predisposition; Hereditary Cancer Syndrome; Hereditary neoplastic syndrome. Identifiers: Orphanet 140162, MedGen C0027672, MeSH D009386, MONDO:0015356.
Familial adenomatous polyposis 1 (FAP1). Also called: POLYPOSIS, ADENOMATOUS INTESTINAL; FAMILIAL ADENOMATOUS POLYPOSIS 1, ATTENUATED. Identifiers: MedGen C2713442, MONDO:0021056, OMIM 175100. Disease mechanism: loss of function.

Submissions (5):

Labcorp Genetics (formerly Invitae), Labcorp
Classification: Uncertain significance for Familial adenomatous polyposis 1. Last evaluated: 2025-09-25. Review status: criteria provided, single submitter. Criteria: Invitae Variant Classification Sherloc (09022015). Collection method: clinical testing. Allele origin: germline.
Comment: This sequence change replaces serine, which is neutral and polar, with asparagine, which is neutral and polar, at codon 1395 of the APC protein (p.Ser1395Asn). This variant is not present in population databases (gnomAD no frequency). This variant has not been reported in the literature in individuals affected with APC-related conditions. ClinVar contains an entry for this variant (Variation ID: 1802738). Invitae Evidence Modeling of protein sequence and biophysical properties (such as structural, functional, and spatial information, amino acid conservation, physicochemical variation, residue mobility, and thermodynamic stability) indicates that this missense variant is not expected to disrupt APC protein function with a negative predictive value of 95%. In summary, the available evidence is currently insufficient to determine the role of this variant in disease. Therefore, it has been classified as a Variant of Uncertain Significance.

Center for Genomic Medicine, Rigshospitalet, Copenhagen University Hospital
Classification: Uncertain significance. Last evaluated: 2025-03-04. Review status: criteria provided, single submitter. Criteria: ACMG Guidelines, 2015. Collection method: clinical testing. Allele origin: germline.

All of Us Research Program, National Institutes of Health
Classification: Uncertain significance for Classic or attenuated familial adenomatous polyposis. Last evaluated: 2023-12-18. Review status: criteria provided, single submitter. Criteria: ACMG Guidelines, 2015. Collection method: clinical testing. Allele origin: germline. Inheritance: Autosomal dominant inheritance. Observed: 1 variant allele, 1 heterozygote.
Comment: This missense variant replaces serine with asparagine at codon 1395 of the APC protein. Computational prediction suggests that this variant may not impact protein structure and function (internally defined REVEL score threshold <= 0.5, PMID: 27666373). To our knowledge, functional studies have not been reported for this variant. This variant has not been reported in individuals affected with APC-related disorders in the literature. This variant has not been identified in the general population by the Genome Aggregation Database (gnomAD). The available evidence is insufficient to determine the role of this variant in disease conclusively. Therefore, this variant is classified as a Variant of Uncertain Significance.

This study involves interpretation of variants in research participants for the purpose of population health screening. Participant phenotype was not available at the time of variant classification. Additional details can be found in publication PMID: 35346344, PMCID: PMC8962531

Color Diagnostics, LLC DBA Color Health
Classification: Uncertain significance for Hereditary cancer-predisposing syndrome. Last evaluated: 2023-11-22. Review status: criteria provided, single submitter. Criteria: ACMG Guidelines, 2015. Collection method: clinical testing. Allele origin: germline.
Comment: This missense variant replaces serine with asparagine at codon 1395 of the APC protein. Computational prediction suggests that this variant may not impact protein structure and function. To our knowledge, functional studies have not been reported for this variant. This variant has not been reported in individuals affected with APC-related disorders in the literature. This variant has not been identified in the general population by the Genome Aggregation Database (gnomAD). The available evidence is insufficient to determine the role of this variant in disease conclusively. Therefore, this variant is classified as a Variant of Uncertain Significance.

Ambry Genetics
Classification: Uncertain significance for Hereditary cancer-predisposing syndrome. Last evaluated: 2023-10-30. Review status: criteria provided, single submitter. Criteria: Ambry Variant Classification Scheme 2023. Collection method: clinical testing. Allele origin: germline.
Comment: The p.S1395N variant (also known as c.4184G>A), located in coding exon 15 of the APC gene, results from a G to A substitution at nucleotide position 4184. The serine at codon 1395 is replaced by asparagine, an amino acid with highly similar properties. This amino acid position is highly conserved in available vertebrate species. In addition, in silico predictors for this gene do not accurately predict pathogenicity. Since supporting evidence is limited at this time, the clinical significance of this alteration remains unclear.